The following is an entry in ClinVar:

ClinVar aggregate classification (germline): Uncertain significance (1 of 4 stars; one submission).

Conditions:
Symmetrical dyschromatosis of extremities (DSH). Also called: RETICULATE ACROPIGMENTATION OF DOHI; SYMMETRIC DYSCHROMATOSIS OF THE EXTREMITIES; DYSCHROMATOSIS SYMMETRICA HEREDITARIA 1; Dyschromatosis symmetrica hereditaria. Identifiers: Orphanet 41, MedGen C0406775, MONDO:0007483, OMIM 127400.
Aicardi-Goutieres syndrome 6 (AGS6). Identifiers: Orphanet 51, MedGen C3539013, MONDO:0014007, OMIM 615010.

gnomAD v4.1: 7 of 1,612,816 alleles (0.00043%); highest among the groups gnomAD compares: Non-Finnish European, 0.00059%; no homozygotes.

Submission:

Labcorp Genetics (formerly Invitae), Labcorp
Classification: Uncertain significance for Aicardi-Goutieres syndrome 6; Symmetrical dyschromatosis of extremities. Last evaluated: 2024-09-04. Review status: criteria provided, single submitter. Criteria: Invitae Variant Classification Sherloc (09022015). Collection method: clinical testing. Allele origin: germline.
Comment: This sequence change replaces glycine, which is neutral and non-polar, with glutamic acid, which is acidic and polar, at codon 107 of the ADAR protein (p.Gly107Glu). This variant is present in population databases (no rsID available, gnomAD 0.0009%). This variant has not been reported in the literature in individuals affected with ADAR-related conditions. An algorithm developed to predict the effect of missense changes on protein structure and function outputs the following: PolyPhen-2: "Benign". The glutamic acid amino acid residue is found in multiple mammalian species, which suggests that this missense change does not adversely affect protein function. In summary, the available evidence is currently insufficient to determine the role of this variant in disease. Therefore, it has been classified as a Variant of Uncertain Significance.

NM_001111.5(ADAR):c.320G>A (p.Gly107Glu)

Gene: ADAR (adenosine deaminase RNA specific; minus strand). Cytogenetic location: 1q21.3.
Variant type: single nucleotide variant.
Coding change: c.320G>A on transcript NM_001111.5 (MANE Select); coding-DNA position 320, G replaced by A.
Protein change: p.Gly107Glu; replaces glycine 107 with glutamic acid.
Molecular consequence: missense variant. On other transcripts: 5 prime UTR variant (3), intron variant (3).
Genome position (GRCh38, 1-based): chr1:154,602,322, C>T on the plus strand (G>A on the coding strand, the complement: ADAR is on the minus strand). VCF-style: chr1-154602322-C-T. GRCh37 (hg19) VCF-style: chr1-154574798-C-T.
Other names: c.-566G>A (NM_001025107.3, NM_001193495.2, NM_001365048.1); c.347G>A, p.Gly116Glu (NM_001365045.1); c.320G>A, p.Gly107Glu (NM_015840.4, NM_015841.4); c.-493+63G>A (NM_001365046.1, NM_001365049.1, NM_001365047.1); short protein forms G107E, G116E.
Identifiers: ClinVar variation 2947518 (VCV002947518.3), dbSNP rs763106489, ClinGen allele CA342604417.